The following is an entry in ClinVar:

ClinVar aggregate classification (germline): Uncertain significance. Review status: criteria provided, multiple submitters, no conflicts (2 of 4 stars). 5 submissions from 5 submitters: Uncertain significance (5). Last evaluated 2026-09-22.

Conditions:
TTN-related disorder. Also called: TTN-related condition; TTN-related disease; TTN-related disorders.
Hypertrophic cardiomyopathy 9. Also called: Familial hypertrophic cardiomyopathy 9. Identifiers: MedGen C1861065, MONDO:0013412, OMIM 613765.
Early-onset myopathy with fatal cardiomyopathy (CMYO5). Also called: CONGENITAL MYOPATHY 5 WITH CARDIOMYOPATHY; Salih Myopathy. Identifiers: Orphanet 289377, MedGen C2673677, MONDO:0012714, OMIM 611705. Disease mechanism: loss of function.
Autosomal recessive limb-girdle muscular dystrophy type 2J (LGMDR10). Also called: MUSCULAR DYSTROPHY, LIMB-GIRDLE, AUTOSOMAL RECESSIVE 10; Limb-girdle muscular dystrophy, type 2J. Identifiers: Orphanet 140922, MedGen C1837342, MONDO:0012127, OMIM 608807.
Dilated cardiomyopathy 1G (CMD1G). Identifiers: Orphanet 154, MedGen C1858763, MONDO:0011400, OMIM 604145.
Myopathy, myofibrillar, 9, with early respiratory failure (MFM9). Also called: Myopathy, distal, with early respiratory failure, autosomal dominant; Hereditary myopathy with early respiratory failure; EDSTROM MYOPATHY; MYOPATHY, PROXIMAL, WITH EARLY RESPIRATORY MUSCLE INVOLVEMENT. Identifiers: Orphanet 178464, Orphanet 34521, MedGen C1863599, MONDO:0011362, OMIM 603689.
Tibial muscular dystrophy (TMD). Also called: Tibial muscular dystrophy, tardive; Udd Distal Myopathy – Tibial Muscular Dystrophy; UDD MYOPATHY. Identifiers: Orphanet 609, MedGen C1838244, MONDO:0010870, OMIM 600334.

Allele frequency attached by ClinVar (database versions not stated): gnomAD 0.00001 and 0.00009; gnomAD exomes 0.00001; ExAC 0.00002; TOPMed 0.00014; ESP Exome Variant Server 0.00025.
gnomAD v4.1: 24 of 1,593,728 alleles (0.0015%); highest among the groups gnomAD compares: Non-Finnish European, 0.0011%; no homozygotes.

Submissions (5):

PreventionGenetics, part of Exact Sciences
Classification: Uncertain significance for TTN-related condition. Last evaluated: 2026-09-22. Review status: criteria provided, single submitter. Criteria: ACMG Guidelines, 2015. Collection method: clinical testing. Allele origin: germline.
Comment: The TTN c.34778C>T variant is predicted to result in the amino acid substitution p.Pro11593Leu. This variant has been reported in an individual with hypertrophic cardiomyopathy (Marian et al. 2018. PubMed ID: 29540445). This variant is reported in 0.0028% of alleles in individuals of European (non-Finnish) descent in gnomAD. At this time, the clinical significance of this variant is uncertain due to the absence of conclusive functional and genetic evidence.

GeneDx
Classification: Uncertain significance. Last evaluated: 2022-03-03. Review status: criteria provided, single submitter. Criteria: GeneDx Variant Classification Process June 2021. Collection method: clinical testing. Allele origin: germline. Affected: yes.
Comment: Not observed at significant frequency in large population cohorts (gnomAD); Missense variant in a gene in which most reported pathogenic variants are truncating/loss-of-function; Has not been previously published as pathogenic or benign to our knowledge

Revvity Omics, Revvity
Classification: Uncertain significance. Last evaluated: 2021-11-24. Review status: criteria provided, single submitter. Criteria: ACMG Guidelines, 2015. Collection method: clinical testing. Allele origin: germline.

Fulgent Genetics
Classification: Uncertain significance for Tibial muscular dystrophy; Myopathy, myofibrillar, 9, with early respiratory failure; Dilated cardiomyopathy 1G; Autosomal recessive limb-girdle muscular dystrophy type 2J; Early-onset myopathy with fatal cardiomyopathy; Hypertrophic cardiomyopathy 9. Last evaluated: 2021-07-07. Review status: criteria provided, single submitter. Criteria: ACMG Guidelines, 2015. Collection method: clinical testing. Allele origin: unknown.

Eurofins Ntd Llc (ga)
Classification: Uncertain significance. Last evaluated: 2017-07-10. Review status: criteria provided, single submitter. Criteria: EGL Classification Definitions 2015. Collection method: clinical testing. Allele origin: germline. Observed: 1 variant allele, 1 heterozygote.

NM_001267550.2(TTN):c.34778C>T (p.Pro11593Leu)

Gene: TTN (titin; minus strand). Cytogenetic location: 2q31.2.
Variant type: single nucleotide variant.
Coding change: c.34778C>T on transcript NM_001267550.2 (MANE Select); coding-DNA position 34778, C replaced by T.
Protein change: p.Pro11593Leu; replaces proline 11593 with leucine.
Molecular consequence: missense variant. On other transcripts: intron variant (3).
Genome position (GRCh38, 1-based): chr2:178,673,641, G>A on the plus strand (C>T on the coding strand, the complement: TTN is on the minus strand). VCF-style: chr2-178673641-G-A. GRCh37 (hg19) VCF-style: chr2-179538368-G-A.
Other names: c.33656C>T, p.Pro11219Leu (NM_001256850.1); c.30875C>T, p.Pro10292Leu (NM_133378.4); c.13283-31324C>T (NM_003319.4); c.13859-31324C>T (NM_133437.4); c.13658-31324C>T (NM_133432.3); short protein forms P11593L, P10292L, P11219L.
Identifiers: ClinVar variation 593075 (VCV000593075.11), dbSNP rs199975096, ClinGen allele CA1997985.